The following is an entry in ClinVar:

ClinVar aggregate classification (germline): Pathogenic (1 of 4 stars; one submission).

Conditions:
Duchenne muscular dystrophy (DMD). Also called: Duchenne Muscular Dystrophy (DMD); MUSCULAR DYSTROPHY, PSEUDOHYPERTROPHIC PROGRESSIVE, DUCHENNE TYPE. Identifiers: Orphanet 98896, MedGen C0013264, MONDO:0010679, OMIM 310200.

Submission:

Labcorp Genetics (formerly Invitae), Labcorp
Classification: Pathogenic for Duchenne muscular dystrophy. Last evaluated: 2022-08-04. Review status: criteria provided, single submitter. Criteria: Invitae Variant Classification Sherloc (09022015). Collection method: clinical testing. Allele origin: germline.
Comment: For these reasons, this variant has been classified as Pathogenic. A similar copy number variant has been observed in individuals with Duchenne muscular dystrophy (PMID: 31705731; Invitae). This variant results in a copy number gain of the genomic region encompassing exon(s) 8-18 of the DMD gene. While the exact position of this variant cannot be determined from the data, sub-genic copy number gains are generally in tandem (PMID: 25640679). This variant is predicted to be out-of-frame, and may result in an absent or disrupted protein product. Loss-of-function variants in DMD are known to be pathogenic (PMID: 16770791, 25007885).

Literature cited by the submitters: PubMed 31705731; PubMed 25640679; PubMed 16770791; PubMed 25007885.

NC_000023.10:g.(?_32536105)_(32717430_?)dup

Gene: DMD (dystrophin; minus strand). Cytogenetic location: Xp21.1.
Variant type: Duplication.
Identifiers: ClinVar variation 1459231 (VCV001459231.6).